The following is an entry in ClinVar:

ClinVar aggregate classification (germline): Likely benign. Review status: criteria provided, multiple submitters, no conflicts (2 of 4 stars). 2 submissions from 2 submitters: Likely benign (2). Last evaluated 2026-09-01.

Conditions:
DTNBP1-related disorder. Also called: DTNBP1-related condition.

gnomAD v4.1: 15 of 1,614,164 alleles (0.00093%); highest among the groups gnomAD compares: Admixed American, 0.023%; no homozygotes.

Submissions (2):

PreventionGenetics, part of Exact Sciences
Classification: Likely benign for DTNBP1-related condition. Last evaluated: 2026-09-01. Review status: criteria provided, single submitter. Criteria: ACMG Guidelines, 2015. Collection method: clinical testing. Allele origin: germline.
Comment: This variant is classified as likely benign based on ACMG/AMP sequence variant interpretation guidelines (Richards et al. 2015 PMID: 25741868, with internal and published modifications).

Labcorp Genetics (formerly Invitae), Labcorp
Classification: Likely benign. Last evaluated: 2025-08-04. Review status: criteria provided, single submitter. Criteria: Invitae Variant Classification Sherloc (09022015). Collection method: clinical testing. Allele origin: germline.

NM_032122.5(DTNBP1):c.462A>G (p.Gln154=)

Gene: DTNBP1 (dystrobrevin binding protein 1; minus strand). Cytogenetic location: 6p22.3.
Variant type: single nucleotide variant.
Coding change: c.462A>G on transcript NM_032122.5 (MANE Select); coding-DNA position 462, A replaced by G.
Protein change: p.Gln154=; no amino-acid change (glutamine 154 retained).
Molecular consequence: synonymous variant. On other transcripts: non-coding transcript variant (1).
Genome position (GRCh38, 1-based): chr6:15,615,293, T>C on the plus strand (A>G on the coding strand, the complement: DTNBP1 is on the minus strand). VCF-style: chr6-15615293-T-C. GRCh37 (hg19) VCF-style: chr6-15615524-T-C.
Other names: c.219A>G, p.Gln73= (NM_001271667.2); c.411A>G, p.Gln137= (NM_001271668.2); c.357A>G, p.Gln119= (NM_001271669.2); c.462A>G, p.Gln154= (NM_183040.2).
Identifiers: ClinVar variation 3715581 (VCV003715581.3).